The following is an entry in ClinVar:

ClinVar aggregate classification (germline): Uncertain significance (1 of 4 stars; one submission).

Submission:

Labcorp Genetics (formerly Invitae), Labcorp
Classification: Uncertain significance. Last evaluated: 2025-11-30. Review status: criteria provided, single submitter. Criteria: Invitae Variant Classification Sherloc (09022015). Collection method: clinical testing. Allele origin: germline.
Comment: This variant, c.366_367delinsTA, is a complex sequence change that results in the deletion of 2 and insertion of 2 amino acid(s) in the SEMA3A protein (p.Lys122_Ala123delinsAsnThr). Information on the frequency of this variant in the gnomAD database is not available, as this variant may be reported differently in the database. This variant has not been reported in the literature in individuals affected with SEMA3A-related conditions. ClinVar contains an entry for this variant (Variation ID: 1444604). Experimental studies and prediction algorithms are not available or were not evaluated, and the functional significance of this variant is currently unknown. In summary, the available evidence is currently insufficient to determine the role of this variant in disease. Therefore, it has been classified as a Variant of Uncertain Significance.

NM_006080.3(SEMA3A):c.366_367delinsTA (p.Lys122_Ala123delinsAsnThr)

Gene: SEMA3A (semaphorin 3A; minus strand). Cytogenetic location: 7q21.11.
Variant type: Indel.
Coding change: c.366_367delinsTA on transcript NM_006080.3 (MANE Select); coding-DNA positions 366 to 367, GG replaced by TA.
Protein change: p.Lys122_Ala123delinsAsnThr.
Molecular consequence: missense variant.
Genome position (GRCh38, 1-based): chr7:84,110,556-84,110,557, CC replaced by TA on the plus strand (GG replaced by TA on the coding strand, the reverse complement: SEMA3A is on the minus strand). VCF-style: chr7-84110556-CC-TA. GRCh37 (hg19) VCF-style: chr7-83739872-CC-TA.
Identifiers: ClinVar variation 1444604 (VCV001444604.6), dbSNP rs2115940734, ClinGen allele CA2573142394.